The following is an entry in ClinVar:

ClinVar aggregate classification (germline): Conflicting classifications of pathogenicity. Review status: criteria provided, conflicting classifications (1 of 4 stars). 2 submissions from 2 submitters: Uncertain significance (1); Benign (1). Last evaluated 2025-09-24.

Conditions:
Familial thoracic aortic aneurysm and aortic dissection (TAAD). Also called: Thoracic aortic aneurysms and dissections. Identifiers: Orphanet 91387, MedGen C4707243, MONDO:0019625.
Heterotopia, periventricular, X-linked dominant (PVNH1). Also called: PERIVENTRICULAR NODULAR HETEROTOPIA 1; X-linked periventricular heterotopia; PERIVENTRICULAR NODULAR HETEROTOPIA 4; HETEROTOPIA, PERIVENTRICULAR, 1. Identifiers: Orphanet 2149, Orphanet 82004, MedGen C1848213, MONDO:0010233, OMIM 300049.
Oto-palato-digital syndrome, type II (OPD2). Also called: FACIOPALATOOSSEOUS SYNDROME; OPD II SYNDROME; Otopalatodigital Syndrome Type 2 (FLNA-OPD2); Otopalatodigital Syndrome, Type II. Identifiers: Orphanet 669, Orphanet 90652, MedGen C1844696, MONDO:0010571, OMIM 304120.
Frontometaphyseal dysplasia (FMD1). Identifiers: Orphanet 1826, MedGen C0265293, MONDO:0015942.
Melnick-Needles syndrome (MNS). Also called: MELNICK-NEEDLES OSTEODYSPLASTY; OSTEODYSPLASTY OF MELNICK AND NEEDLES; Melnick-Needles Syndrome (FLNA-MNS). Identifiers: Orphanet 2484, MedGen C0025237, MONDO:0010650, OMIM 309350.

Allele frequency attached by ClinVar (database versions not stated): gnomAD 0.00001 and 0.00003; ExAC 0.00002; gnomAD exomes 0.00004 and 0.00006; 1000 Genomes Project 30x 0.00021; 1000 Genomes Project 0.00026.
gnomAD v4.1: 64 of 1,207,758 alleles (0.0053%); highest among the groups gnomAD compares: East Asian, 0.19%; no homozygotes.

Submissions (2):

Labcorp Genetics (formerly Invitae), Labcorp
Classification: Benign for Oto-palato-digital syndrome, type II; Heterotopia, periventricular, X-linked dominant; Frontometaphyseal dysplasia; Melnick-Needles syndrome. Last evaluated: 2025-09-24. Review status: criteria provided, single submitter. Criteria: Invitae Variant Classification Sherloc (09022015). Collection method: clinical testing. Allele origin: germline.

Ambry Genetics
Classification: Uncertain significance for Familial thoracic aortic aneurysm and aortic dissection. Last evaluated: 2018-03-23. Review status: criteria provided, single submitter. Criteria: Ambry Variant Classification Scheme 2023. Collection method: clinical testing. Allele origin: germline.
Comment: The p.N931D variant (also known as c.2791A>G), located in coding exon 18 of the FLNA gene, results from an A to G substitution at nucleotide position 2791. The asparagine at codon 931 is replaced by aspartic acid, an amino acid with highly similar properties. This amino acid position is not well conserved in available vertebrate species. In addition, this alteration is predicted to be tolerated by in silico analysis. Since supporting evidence is limited at this time, the clinical significance of this alteration remains unclear.

NM_001110556.2(FLNA):c.2791A>G (p.Asn931Asp)

Gene: FLNA (filamin A; minus strand). Cytogenetic location: Xq28.
Variant type: single nucleotide variant.
Coding change: c.2791A>G on transcript NM_001110556.2 (MANE Select); coding-DNA position 2791, A replaced by G.
Protein change: p.Asn931Asp; replaces asparagine 931 with aspartic acid.
Molecular consequence: missense variant.
Genome position (GRCh38, 1-based): chrX:154,362,014, T>C on the plus strand (A>G on the coding strand, the complement: FLNA is on the minus strand). VCF-style: chrX-154362014-T-C. GRCh37 (hg19) VCF-style: chrX-153590382-T-C.
Other names: c.2791A>G, p.Asn931Asp (NM_001456.4); short protein forms N931D.
Identifiers: ClinVar variation 464979 (VCV000464979.13), dbSNP rs190437842, ClinGen allele CA10560844.